The following is an entry in ClinVar:

NM_000051.4(ATM):c.5319+7T>G

Gene: ATM (ATM serine/threonine kinase; plus strand). Cytogenetic location: 11q22.3.
Variant type: single nucleotide variant.
Coding change: c.5319+7T>G on transcript NM_000051.4 (MANE Select); 7 bases into the intron after coding-DNA position 5319, T replaced by G.
Molecular consequence: intron variant.
Genome position (GRCh38, 1-based): chr11:108,301,796, T>G. VCF-style: chr11-108301796-T-G. GRCh37 (hg19) VCF-style: chr11-108172523-T-G.
Other names: c.5319+7T>G (NM_001351834.2).
Identifiers: ClinVar variation 4729859 (VCV004729859.1).

ClinVar aggregate classification (germline): Uncertain significance (1 of 4 stars; one submission).

Conditions:
Ataxia-telangiectasia syndrome (AT). Also called: Cerebello-oculocutaneous telangiectasia; Immunodeficiency with ataxia telangiectasia; Ataxia-telangiectasia, complementation group E; LOUIS-BAR SYNDROME; AT, COMPLEMENTATION GROUP C; ATAXIA-TELANGIECTASIA, COMPLEMENTATION GROUP A. Identifiers: Orphanet 100, MedGen C0004135, MONDO:0008840, OMIM 208900.

Submission:

Labcorp Genetics (formerly Invitae), Labcorp
Classification: Uncertain significance for Ataxia-telangiectasia syndrome. Last evaluated: 2025-10-26. Review status: criteria provided, single submitter. Criteria: Invitae Variant Classification Sherloc (09022015). Collection method: clinical testing. Allele origin: germline.
Comment: This sequence change falls in intron 35 of the ATM gene. It does not directly change the encoded amino acid sequence of the ATM protein. This variant is not present in population databases (gnomAD no frequency). This variant has not been reported in the literature in individuals affected with ATM-related conditions. Algorithms developed to predict the effect of sequence changes on RNA splicing suggest that this variant may create or strengthen a splice site. In summary, the available evidence is currently insufficient to determine the role of this variant in disease. Therefore, it has been classified as a Variant of Uncertain Significance.